The following is an entry in ClinVar:

NM_001205293.3(CACNA1E):c.5524A>G (p.Ile1842Val)

Gene: CACNA1E (calcium voltage-gated channel subunit alpha1 E; plus strand). Cytogenetic location: 1q25.3.
Variant type: single nucleotide variant.
Coding change: c.5524A>G on transcript NM_001205293.3 (MANE Select); coding-DNA position 5524, A replaced by G.
Protein change: p.Ile1842Val; replaces isoleucine 1842 with valine.
Molecular consequence: missense variant.
Genome position (GRCh38, 1-based): chr1:181,784,714, A>G. VCF-style: chr1-181784714-A-G. GRCh37 (hg19) VCF-style: chr1-181753850-A-G.
Other names: c.5524A>G, p.Ile1842Val (NM_000721.4); c.5467A>G, p.Ile1823Val (NM_001205294.2); c.5524A>G (NM_001205293.1); short protein forms I1823V, I1842V.
Identifiers: ClinVar variation 1694537 (VCV001694537.38), dbSNP rs761790010, ClinGen allele CA1276143.

ClinVar aggregate classification (germline): Likely benign. Review status: criteria provided, multiple submitters, no conflicts (2 of 4 stars). 5 submissions from 5 submitters: Likely benign (5). Last evaluated 2025-02-18.

Conditions:
Developmental and epileptic encephalopathy, 69. Also called: EPILEPTIC ENCEPHALOPATHY, EARLY INFANTILE, 69. Identifiers: MedGen C4748988, MONDO:0032657, OMIM 618285.
Inborn genetic diseases. Identifiers: MedGen C0950123, MeSH D030342.

Allele frequency attached by ClinVar (database versions not stated): TOPMed 0.00001; gnomAD 0.00003; gnomAD exomes 0.00007; ExAC 0.00020.
gnomAD v4.1: 66 of 1,589,910 alleles (0.0042%); highest among the groups gnomAD compares: South Asian, 0.021%; no homozygotes.

Submissions (5):

Labcorp Genetics (formerly Invitae), Labcorp
Classification: Likely benign. Last evaluated: 2025-02-18. Review status: criteria provided, single submitter. Criteria: Invitae Variant Classification Sherloc (09022015). Collection method: clinical testing. Allele origin: germline.

Laboratory of Genetics, Children's Clinical University Hospital Latvia
Classification: Likely benign. Last evaluated: 2025-02-16. Review status: criteria provided, single submitter. Criteria: ACMG Guidelines, 2015. Collection method: clinical testing. Allele origin: germline. Affected: yes.

Ambry Genetics
Classification: Likely benign for Inborn genetic diseases. Last evaluated: 2024-04-23. Review status: criteria provided, single submitter. Criteria: Ambry Variant Classification Scheme 2023. Collection method: clinical testing. Allele origin: germline.

Genome-Nilou Lab
Classification: Likely benign for Developmental and epileptic encephalopathy, 69. Last evaluated: 2023-04-11. Review status: criteria provided, single submitter. Criteria: ACMG Guidelines, 2015. Collection method: clinical testing. Allele origin: germline. Affected: no.

CeGaT Center for Human Genetics Tuebingen
Classification: Likely benign. Last evaluated: 2022-06-01. Review status: criteria provided, single submitter. Criteria: CeGaT Center For Human Genetics Tuebingen Variant Classification Criteria Version 2. Collection method: clinical testing. Allele origin: germline. Affected: yes. Observed: 1 variant allele.
Comment: CACNA1E: PP2, BS2